The following is an entry in ClinVar:

NM_020806.5(GPHN):c.592A>C (p.Thr198Pro)

Gene: GPHN (gephyrin; plus strand). Cytogenetic location: 14q23.3.
Variant type: single nucleotide variant.
Coding change: c.592A>C on transcript NM_020806.5 (MANE Select); coding-DNA position 592, A replaced by C.
Protein change: p.Thr198Pro; replaces threonine 198 with proline.
Molecular consequence: missense variant.
Genome position (GRCh38, 1-based): chr14:66,922,801, A>C. VCF-style: chr14-66922801-A-C. GRCh37 (hg19) VCF-style: chr14-67389518-A-C.
Other names: c.592A>C, p.Thr198Pro (NM_001024218.2, NM_001377515.1, NM_001377516.1 and 2 more transcripts); c.631A>C, p.Thr211Pro (NM_001377514.1, NM_001377519.1); short protein forms T198P, T211P.
Identifiers: ClinVar variation 583151 (VCV000583151.10), dbSNP rs776521403, ClinGen allele CA7233788.

ClinVar aggregate classification (germline): Uncertain significance. Review status: criteria provided, multiple submitters, no conflicts (2 of 4 stars). 2 submissions from 2 submitters: Uncertain significance (2). Last evaluated 2024-12-22.

Conditions:
Inborn genetic diseases. Identifiers: MedGen C0950123, MeSH D030342.
Sulfite oxidase deficiency due to molybdenum cofactor deficiency type C. Also called: Molybdenum cofactor deficiency C; Molybdenum cofactor deficiency, complementation group C. Identifiers: Orphanet 308400, Orphanet 833, MedGen C1854990, MONDO:0014212, OMIM 615501.

Allele frequency attached by ClinVar (database versions not stated): ExAC 0.00001; gnomAD 0.00001 and 0.00002; gnomAD exomes 0.00001; TOPMed 0.00001.
gnomAD v4.1: 21 of 1,612,598 alleles (0.0013%); highest among the groups gnomAD compares: East Asian, 0.0089%; no homozygotes.

Submissions (2):

Labcorp Genetics (formerly Invitae), Labcorp
Classification: Uncertain significance for Sulfite oxidase deficiency due to molybdenum cofactor deficiency type C. Last evaluated: 2024-12-22. Review status: criteria provided, single submitter. Criteria: Invitae Variant Classification Sherloc (09022015). Collection method: clinical testing. Allele origin: germline.
Comment: This sequence change replaces threonine, which is neutral and polar, with proline, which is neutral and non-polar, at codon 198 of the GPHN protein (p.Thr198Pro). This variant is present in population databases (rs776521403, gnomAD 0.003%). This variant has not been reported in the literature in individuals affected with GPHN-related conditions. ClinVar contains an entry for this variant (Variation ID: 583151). Invitae Evidence Modeling of protein sequence and biophysical properties (such as structural, functional, and spatial information, amino acid conservation, physicochemical variation, residue mobility, and thermodynamic stability) indicates that this missense variant is not expected to disrupt GPHN protein function with a negative predictive value of 80%. In summary, the available evidence is currently insufficient to determine the role of this variant in disease. Therefore, it has been classified as a Variant of Uncertain Significance.

Ambry Genetics
Classification: Uncertain significance for Inborn genetic diseases. Last evaluated: 2024-08-07. Review status: criteria provided, single submitter. Criteria: Ambry Variant Classification Scheme 2023. Collection method: clinical testing. Allele origin: germline.